The following is an entry in ClinVar:

ClinVar aggregate classification (germline): Uncertain significance (1 of 4 stars; one submission).

Submission:

Labcorp Genetics (formerly Invitae), Labcorp
Classification: Uncertain significance. Last evaluated: 2025-11-20. Review status: criteria provided, single submitter. Criteria: Invitae Variant Classification Sherloc (09022015). Collection method: clinical testing. Allele origin: germline.
Comment: This sequence change replaces glycine, which is neutral and non-polar, with arginine, which is basic and polar, at codon 98 of the GEN1 protein (p.Gly98Arg). This variant is not present in population databases (gnomAD no frequency). This variant has not been reported in the literature in individuals affected with GEN1-related conditions. An algorithm developed to predict the effect of missense changes on protein structure and function (PolyPhen-2) suggests that this variant is likely to be tolerated. In summary, the available evidence is currently insufficient to determine the role of this variant in disease. Therefore, it has been classified as a Variant of Uncertain Significance.

NM_001130009.3(GEN1):c.292G>A (p.Gly98Arg)

Gene: GEN1 (GEN1 structure-specific endonuclease; plus strand). Cytogenetic location: 2p24.2.
Variant type: single nucleotide variant.
Coding change: c.292G>A on transcript NM_001130009.3 (MANE Select); coding-DNA position 292, G replaced by A.
Protein change: p.Gly98Arg; replaces glycine 98 with arginine.
Molecular consequence: missense variant.
Genome position (GRCh38, 1-based): chr2:17,761,526, G>A. VCF-style: chr2-17761526-G-A. GRCh37 (hg19) VCF-style: chr2-17942793-G-A.
Other names: c.292G>A, p.Gly98Arg (NM_182625.5); short protein forms G98R.
Identifiers: ClinVar variation 4779757 (VCV004779757.1).